The following is an entry in ClinVar:

NM_000061.3(BTK):c.564del (p.Pro190fs)

Gene: BTK (Bruton tyrosine kinase; minus strand). Cytogenetic location: Xq22.1.
Variant type: Deletion.
Coding change: c.564del on transcript NM_000061.3 (MANE Select); coding-DNA position 564, one base deleted (T; older notation c.564delT).
Protein change: p.Pro190fs; shifts the reading frame from proline 190.
Molecular consequence: frameshift variant.
Genome position (GRCh38, 1-based): chrX:101,362,197, A deleted on the plus strand (T on the coding strand, the reverse complement: BTK is on the minus strand); the first of 2 consecutive A bases (chrX:101,362,197-101,362,198); deleting either gives the same sequence. VCF-style (leftmost placement, unchanged base first): chrX-101362196-GA-G. GRCh37 (hg19) VCF-style: chrX-100617184-GA-G.
Other names: c.564delT (NM_000061.2); c.666del, p.Pro224fs (NM_001287344.2); c.564del, p.Pro190fs (NM_001287345.2); short protein forms P224fs, P190fs.
Identifiers: ClinVar variation 666035 (VCV000666035.9), dbSNP rs1603009890, ClinGen allele CA915951319.

ClinVar aggregate classification (germline): Pathogenic (1 of 4 stars; one submission).

Conditions:
X-linked agammaglobulinemia with growth hormone deficiency (IGHD3). Also called: AGAMMAGLOBULINEMIA AND ISOLATED GROWTH HORMONE DEFICIENCY, X-LINKED; Isolated growth hormone deficiency type 3; Growth hormone deficiency with hypogammaglobulinemia; ISOLATED GROWTH HORMONE DEFICIENCY, TYPE III, WITH AGAMMAGLOBULINEMIA; FLEISHER SYNDROME; HYPOGAMMAGLOBULINEMIA AND ISOLATED GROWTH HORMONE DEFICIENCY, X-LINKED. Identifiers: Orphanet 231692, Orphanet 631, MedGen C0472813, MONDO:0010615, OMIM 307200.

Submission:

Labcorp Genetics (formerly Invitae), Labcorp
Classification: Pathogenic for X-linked agammaglobulinemia with growth hormone deficiency. Last evaluated: 2019-01-31. Review status: criteria provided, single submitter. Criteria: Invitae Variant Classification Sherloc (09022015). Collection method: clinical testing. Allele origin: germline.
Comment: For these reasons, this variant has been classified as Pathogenic. Loss-of-function variants in BTK are known to be pathogenic (PMID: 15661032, 16862044, 19419768). This variant has not been reported in the literature in individuals with BTK-related conditions. This variant is not present in population databases (ExAC no frequency). This sequence change creates a premature translational stop signal (p.Pro190Glnfs*9) in the BTK gene. It is expected to result in an absent or disrupted protein product.

Literature cited by the submitters: PubMed 15661032; PubMed 16862044; PubMed 19419768.